The following is an entry in ClinVar:

NM_152328.5(ADSS1):c.193-4876T>C

Gene: ADSS1 (adenylosuccinate synthase 1; plus strand). Cytogenetic location: 14q32.33.
Variant type: single nucleotide variant.
Coding change: c.193-4876T>C on transcript NM_152328.5 (MANE Select); 4876 bases into the intron before coding-DNA position 193, T replaced by C.
Molecular consequence: intron variant. On other transcripts: 5 prime UTR variant (1), synonymous variant (1).
Genome position (GRCh38, 1-based): chr14:104,730,144, T>C. VCF-style: chr14-104730144-T-C. GRCh37 (hg19) VCF-style: chr14-105196481-T-C.
Other names: c.-476T>C (NM_001320424.1); c.252T>C, p.Asn84= (NM_199165.2).
Identifiers: ClinVar variation 3047057 (VCV003047057.2), dbSNP rs898027417, ClinGen allele CA267335133.
Genomic context (GRCh38, chr14:104,730,144, plus strand): 5'-TGGAGGCCCAACTAGGGTGACGCTGGGAGAGGAGAGGGCTTGGAGGAGCCACGGGTCAAA[T>C]GCAGGAGGCCACACCTGCCTGCCCAGGAGGACTGCAGGAGCCGGATCCTTAACACCTGGA-3'

ClinVar aggregate classification (germline): Likely benign (0 of 4 stars; one submission).

Conditions:
ADSS1-related disorder. Also called: ADSS1-related condition.

Allele frequency attached by ClinVar (database versions not stated): gnomAD 0.00001; TOPMed 0.00002; gnomAD exomes 0.00003.

Submission:

PreventionGenetics, part of Exact Sciences
Classification: Likely benign for ADSS1-related condition. Last evaluated: 2021-05-12. Review status: no assertion criteria provided. Collection method: clinical testing. Allele origin: germline.
Comment: This variant is classified as likely benign based on ACMG/AMP sequence variant interpretation guidelines (Richards et al. 2015 PMID: 25741868, with internal and published modifications).